The following is an entry in ClinVar:

NM_019032.6(ADAMTSL4):c.*120G>A

Gene: ADAMTSL4 (ADAMTS like 4; plus strand). Cytogenetic location: 1q21.2.
Variant type: single nucleotide variant.
Coding change: c.*120G>A on transcript NM_019032.6 (MANE Select); 120 bases downstream of the stop codon, G replaced by A.
Molecular consequence: 3 prime UTR variant.
Genome position (GRCh38, 1-based): chr1:150,560,316, G>A. VCF-style: chr1-150560316-G-A. GRCh37 (hg19) VCF-style: chr1-150532792-G-A.
Other names: c.*120G>A (NM_001288607.2, NM_001288608.2, NM_001378596.1).
Identifiers: ClinVar variation 292568 (VCV000292568.9), dbSNP rs1553959, ClinGen allele CA10607663.

ClinVar aggregate classification (germline): Benign. Review status: criteria provided, multiple submitters, no conflicts (2 of 4 stars). 5 submissions from 4 submitters: Benign (5). Last evaluated 2023-04-11.

Conditions:
Ectopia lentis 2, isolated, autosomal recessive (ECTOL2). Identifiers: Orphanet 1885, MedGen C3541474, MONDO:0009152, OMIM 225100.
Ectopia lentis et pupillae. Also called: ECTOPIA LENTIS WITH ECTOPIA OF PUPIL. Identifiers: Orphanet 1885, MedGen C1644196, MONDO:0009153, OMIM 225200.

Allele frequency attached by ClinVar (database versions not stated): gnomAD exomes 0.00363; gnomAD 0.02969 and 0.03195; 1000 Genomes Project 0.03275; TOPMed 0.03359; 1000 Genomes Project 30x 0.03420.
gnomAD v4.1: 9,436 of 1,466,166 alleles (0.64%); highest among the groups gnomAD compares: African/African-American, 10%; 423 homozygotes.

Submissions (5):

Genome-Nilou Lab
Classification: Benign for Ectopia lentis et pupillae. Last evaluated: 2023-04-11. Review status: criteria provided, single submitter. Criteria: ACMG Guidelines, 2015. Collection method: clinical testing. Allele origin: germline. Affected: no.

Genome-Nilou Lab
Classification: Benign for Ectopia lentis 2, isolated, autosomal recessive. Last evaluated: 2023-04-11. Review status: criteria provided, single submitter. Criteria: ACMG Guidelines, 2015. Collection method: clinical testing. Allele origin: germline. Affected: no.

GeneDx
Classification: Benign. Last evaluated: 2018-09-18. Review status: criteria provided, single submitter. Criteria: GeneDx Variant Classification Process June 2021. Collection method: clinical testing. Allele origin: germline. Affected: yes.

Illumina Laboratory Services, Illumina
Classification: Benign for Ectopia lentis 2, isolated, autosomal recessive. Last evaluated: 2018-01-13. Review status: criteria provided, single submitter. Criteria: ICSL Variant Classification Criteria 13 December 2019. Collection method: clinical testing. Allele origin: germline.
Comment: This variant was observed in the ICSL laboratory as part of a predisposition screen in an ostensibly healthy population. It had not been previously curated by ICSL or reported in the Human Gene Mutation Database (HGMD: prior to June 1st, 2018), and was therefore a candidate for classification through an automated scoring system. Utilizing variant allele frequency, disease prevalence and penetrance estimates, and inheritance mode, an automated score was calculated to assess if this variant is too frequent to cause the disease. Based on the score and internal cut-off values, a variant classified as benign is not then subjected to further curation. The score for this variant resulted in a classification of benign for this disease.

Breakthrough Genomics
Classification: Benign. Review status: criteria provided, single submitter. Criteria: ACMG Guidelines, 2015. Collection method: not provided. Allele origin: germline. Inheritance: Autosomal recessive inheritance. Affected: yes.